The following is an entry in ClinVar:

ClinVar aggregate classification (germline): Uncertain significance. Review status: criteria provided, multiple submitters, no conflicts (2 of 4 stars). 2 submissions from 2 submitters: Uncertain significance (2). Last evaluated 2025-01-04.

Conditions:
Inborn genetic diseases. Identifiers: MedGen C0950123, MeSH D030342.
UDPglucose-4-epimerase deficiency. Also called: Epimerase Deficiency Galactosemia; UDPglucose 4-Epimerase Deficiency Disease; GALACTOSEMIA III; GALE DEFICIENCY; UDP-GALACTOSE-4-EPIMERASE DEFICIENCY; Galactose epimerase deficiency. Identifiers: Orphanet 352, Orphanet 79238, MedGen C0751161, MONDO:0009257, OMIM 230350.

Allele frequency attached by ClinVar (database versions not stated): TOPMed 0.00001; gnomAD exomes 0.00002.
gnomAD v4.1: 6 of 1,614,118 alleles (0.00037%); highest among the groups gnomAD compares: Admixed American, 0.0083%; no homozygotes.

Submissions (2):

Ambry Genetics
Classification: Uncertain significance for Inborn genetic diseases. Last evaluated: 2025-01-04. Review status: criteria provided, single submitter. Criteria: Ambry Variant Classification Scheme 2023. Collection method: clinical testing. Allele origin: germline.

Labcorp Genetics (formerly Invitae), Labcorp
Classification: Uncertain significance for UDPglucose-4-epimerase deficiency. Last evaluated: 2022-06-05. Review status: criteria provided, single submitter. Criteria: Invitae Variant Classification Sherloc (09022015). Collection method: clinical testing. Allele origin: germline.
Comment: This sequence change replaces glycine, which is neutral and non-polar, with aspartic acid, which is acidic and polar, at codon 270 of the GALE protein (p.Gly270Asp). This variant is present in population databases (no rsID available, gnomAD 0.01%). This variant has not been reported in the literature in individuals affected with GALE-related conditions. ClinVar contains an entry for this variant (Variation ID: 1477144). Algorithms developed to predict the effect of missense changes on protein structure and function (SIFT, PolyPhen-2, Align-GVGD) all suggest that this variant is likely to be disruptive. In summary, the available evidence is currently insufficient to determine the role of this variant in disease. Therefore, it has been classified as a Variant of Uncertain Significance.

NM_001008216.2(GALE):c.809G>A (p.Gly270Asp)

Gene: GALE (UDP-galactose-4-epimerase; minus strand). Cytogenetic location: 1p36.11.
Variant type: single nucleotide variant.
Coding change: c.809G>A on transcript NM_001008216.2 (MANE Select); coding-DNA position 809, G replaced by A.
Protein change: p.Gly270Asp; replaces glycine 270 with aspartic acid.
Molecular consequence: missense variant.
Genome position (GRCh38, 1-based): chr1:23,796,573, C>T on the plus strand (G>A on the coding strand, the complement: GALE is on the minus strand). VCF-style: chr1-23796573-C-T. GRCh37 (hg19) VCF-style: chr1-24123063-C-T.
Other names: c.809G>A (NM_000403.3); c.809G>A, p.Gly270Asp (NM_000403.4, NM_001127621.2); short protein forms G270D.
Identifiers: ClinVar variation 1477144 (VCV001477144.4), dbSNP rs1226120841, ClinGen allele CA339006824.
Genomic context (GRCh38, chr1:23,796,573, plus strand): 5'-TTCCCAGAGGCCTTCTCCATAGCCTGGACCATCTGCAGCACTGAATAGCCTGTGCCCGTG[C>T]CCAGGTTGTAGATCTGGCCCACGGAGAACAGGGTTTATGGAGCGGGCTGGACTGACCACG-3'
Protein context (NP_001008217.1, residues 260-280): EQCGCRIYNL[Gly270Asp]TGTGYSVLQM